The following is an entry in ClinVar:

ClinVar aggregate classification (germline): Conflicting classifications of pathogenicity. Review status: criteria provided, conflicting classifications (1 of 4 stars). 8 submissions from 7 submitters: Uncertain significance (2); Likely benign (6). Last evaluated 2026-06-01.

Conditions:
SH3TC2-related disorder. Also called: SH3TC2-related disorders; SH3TC2-related condition. Identifiers: MedGen CN239303.
Inborn genetic diseases. Identifiers: MedGen C0950123, MeSH D030342.
Charcot-Marie-Tooth disease. Also called: Charcot-Marie-Tooth Hereditary Neuropathy; Charcot-Marie-Tooth Neuropathy. Identifiers: Orphanet 166, MedGen C0007959, MONDO:0015626.
Charcot-Marie-Tooth disease type 4. Also called: Charcot-Marie-Tooth disease, type IV; Charcot-Marie-Tooth, Type 4. Identifiers: Orphanet 64749, MedGen C4082197, MONDO:0018995.
Charcot-Marie-Tooth disease type 4C (CMT4C). Also called: SH3TC2-Related Hereditary Motor and Sensory Neuropathy; CMT 4C; Charcot-Marie-Tooth Neuropathy Type 4C (CMT4C); CHARCOT-MARIE-TOOTH DISEASE, DEMYELINATING, TYPE 4C; CHARCOT-MARIE-TOOTH DISEASE, DEMYELINATING, AUTOSOMAL RECESSIVE, TYPE 4C. Identifiers: Orphanet 99949, MedGen C1866636, MONDO:0011113, OMIM 601596.
Susceptibility to mononeuropathy of the median nerve, mild. Also called: CARPAL TUNNEL SYNDROME, SUSCEPTIBILITY TO. Identifiers: MedGen C3150596, MONDO:0013237, OMIM 613353.

Allele frequency attached by ClinVar (database versions not stated): gnomAD 0.00027 and 0.00026; TOPMed 0.00033; gnomAD exomes 0.00058 and 0.00021; ESP Exome Variant Server 0.00062; 1000 Genomes Project 30x 0.00016; ExAC 0.00018; 1000 Genomes Project 0.00020.
gnomAD v4.1: 886 of 1,614,146 alleles (0.055%); highest among the groups gnomAD compares: Non-Finnish European, 0.07%; 2 homozygotes.

Submissions (8):

CeGaT Center for Human Genetics Tuebingen
Classification: Likely benign. Last evaluated: 2026-06-01. Review status: criteria provided, single submitter. Criteria: CeGaT Center For Human Genetics Tuebingen Variant Classification Criteria Version 2. Collection method: clinical testing. Allele origin: germline. Affected: yes. Observed: 2 variant alleles.
Comment: SH3TC2: BP4, BS1

Labcorp Genetics (formerly Invitae), Labcorp
Classification: Likely benign for Charcot-Marie-Tooth disease type 4. Last evaluated: 2026-01-24. Review status: criteria provided, single submitter. Criteria: Invitae Variant Classification Sherloc (09022015). Collection method: clinical testing. Allele origin: germline.

PreventionGenetics, part of Exact Sciences
Classification: Likely benign for SH3TC2-related condition. Last evaluated: 2025-02-19. Review status: criteria provided, single submitter. Criteria: ACMG Guidelines, 2015. Collection method: clinical testing. Allele origin: germline.
Comment: This variant is classified as likely benign based on ACMG/AMP sequence variant interpretation guidelines (Richards et al. 2015 PMID: 25741868, with internal and published modifications).

Ambry Genetics
Classification: Likely benign for Inborn genetic diseases. Last evaluated: 2019-07-11. Review status: criteria provided, single submitter. Criteria: Ambry Variant Classification Scheme 2023. Collection method: clinical testing. Allele origin: germline.

GeneDx
Classification: Likely benign. Last evaluated: 2019-01-08. Review status: criteria provided, single submitter. Criteria: GeneDx Variant Classification Process June 2021. Collection method: clinical testing. Allele origin: germline. Affected: yes.

Illumina Laboratory Services, Illumina
Classification: Uncertain significance for Charcot-Marie-Tooth disease type 4C. Last evaluated: 2018-01-12. Review status: criteria provided, single submitter. Criteria: ICSL Variant Classification Criteria 13 December 2019. Collection method: clinical testing. Allele origin: germline.

Illumina Laboratory Services, Illumina
Classification: Uncertain significance for Susceptibility to mononeuropathy of the median nerve, mild. Last evaluated: 2018-01-12. Review status: criteria provided, single submitter. Criteria: ICSL Variant Classification Criteria 13 December 2019. Collection method: clinical testing. Allele origin: germline.

Molecular Genetics Laboratory, London Health Sciences Centre
Classification: Likely benign for Charcot-Marie-Tooth disease. Review status: criteria provided, single submitter. Criteria: ACMG Guidelines, 2015. Collection method: clinical testing. Allele origin: germline. Affected: yes.

NM_024577.4(SH3TC2):c.2304C>T (p.Leu768=)

Gene: SH3TC2 (SH3 domain and tetratricopeptide repeats 2; minus strand). Cytogenetic location: 5q32.
Variant type: single nucleotide variant.
Coding change: c.2304C>T on transcript NM_024577.4 (MANE Select); coding-DNA position 2304, C replaced by T.
Protein change: p.Leu768=; no amino-acid change (leucine 768 retained).
Molecular consequence: synonymous variant.
Genome position (GRCh38, 1-based): chr5:149,027,428, G>A on the plus strand (C>T on the coding strand, the complement: SH3TC2 is on the minus strand). VCF-style: chr5-149027428-G-A. GRCh37 (hg19) VCF-style: chr5-148406991-G-A.
Identifiers: ClinVar variation 220505 (VCV000220505.43), dbSNP rs140829706, ClinGen allele CA350032.